The following is an entry in ClinVar:

ClinVar aggregate classification (germline): Likely pathogenic. Review status: criteria provided, multiple submitters, no conflicts (2 of 4 stars). 4 submissions from 3 submitters: Likely pathogenic (2). 2 of the submissions do not count toward it. Last evaluated 2023-06-22.

Conditions:
Leukodystrophy, hypomyelinating, 17. Identifiers: MedGen C4693912, MONDO:0054817, OMIM 618006.
Neurodevelopmental abnormality. Identifiers: MedGen C4022737, HP:0012759.

Allele frequency attached by ClinVar (database versions not stated): TOPMed below 0.00001; gnomAD 0.00001.
gnomAD v4.1: 4 of 1,590,062 alleles (0.00025%); highest among the groups gnomAD compares: South Asian, 0.0034%; no homozygotes.

Submissions (4):

Neuberg Centre For Genomic Medicine, NCGM
Classification: Likely pathogenic for Leukodystrophy, hypomyelinating, 17. Last evaluated: 2023-06-22. Review status: criteria provided, single submitter. Criteria: ACMG Guidelines, 2015. Collection method: clinical testing. Allele origin: germline. Inheritance: Autosomal recessive inheritance. Affected: yes.
Comment: The observed stop gained variant c.105C>A(p.Tyr35Ter) in AIMP2 gene has been reported previously in homozygous state in three individuals, of which two belong to same family with progressive neurodevelopmental disorder (Shukla A, et al., 2018). This variant is reported with 0.004% allele frequency in gnomAD Exomes. It has been submitted to ClinVar with varying interpretations as Uncertain Significance/ Likely Pathogenic/ Pathogenic. The nucleotide change c.105C>A in AIMP2 is predicted as conserved by GERP++ and PhyloP across 100 vertebrates. Computational evidence (MutationTaster - Disease causing) predicts damaging effect on protein structure and function for this variant. This variant is predicted to cause loss of normal protein function through protein truncation. Loss of function variants have been previously reported to be disease causing. For these reasons, this variant has been classified as Likely Pathogenic.

Kasturba Medical College, Manipal, Kasturba Medical College, Manipal, Manipal Academy of Higher Education, Manipal, India
Classification: Likely pathogenic for Leukodystrophy, hypomyelinating, 17. Review status: criteria provided, single submitter. Criteria: ACMG Guidelines, 2015. Collection method: research. Allele origin: inherited. Affected: yes.

OMIM
Classification: Pathogenic for LEUKODYSTROPHY, HYPOMYELINATING, 17. Last evaluated: 2018-06-05. Review status: no assertion criteria provided. Collection method: literature only. Allele origin: germline. Not counted in ClinVar's aggregate classification.

Kasturba Medical College, Manipal, Kasturba Medical College, Manipal, Manipal Academy of Higher Education, Manipal, India
Classification: Uncertain significance for Neurodevelopmental abnormality. Review status: no assertion criteria provided. Collection method: research. Allele origin: biparental. Inheritance: Autosomal recessive inheritance. Affected: yes. Observed: 1 variant allele, 1 homozygote. Not counted in ClinVar's aggregate classification.

Literature cited by the submitters: PubMed 29215095 (cited by OMIM and Kasturba Medical College, Manipal, Kasturba Medical College, Manipal, Manipal Academy of Higher Education, Manipal, India).

NM_006303.4(AIMP2):c.105C>A (p.Tyr35Ter)

Gene: AIMP2 (aminoacyl tRNA synthetase complex interacting multifunctional protein 2; plus strand). Cytogenetic location: 7p22.1.
Variant type: single nucleotide variant.
Coding change: c.105C>A on transcript NM_006303.4 (MANE Select); coding-DNA position 105, C replaced by A.
Protein change: p.Tyr35Ter; replaces tyrosine 35 with a stop codon.
Molecular consequence: nonsense. On other transcripts: 5 prime UTR variant (1), intron variant (3).
Genome position (GRCh38, 1-based): chr7:6,009,468, C>A. VCF-style: chr7-6009468-C-A. GRCh37 (hg19) VCF-style: chr7-6049099-C-A.
Other names: c.105C>A, p.Tyr35Ter (NM_001326607.2); c.-216C>A (NM_001326609.2); c.-238+90C>A (NM_001326611.3); c.-251+90C>A (NM_001326610.2); c.15+90C>A (NM_001326606.2); short protein forms Y35*.
Identifiers: ClinVar variation 428589 (VCV000428589.7), dbSNP rs529613640, ClinGen allele CA366745462.
Genomic context (GRCh38, chr7:6,009,468, plus strand): 5'-TCTCCGTGTGGAGCTTCCCACCTGCATGTACCGGCTCCCCAACGTGCACGGCAGGAGCTA[C>A]GGCCCAGCGCCGGGCGCTGGCCACGTGCAGGTAGGAGCGCGGGGCCCCCCGCCCAGTGCG-3'